The following is an entry in ClinVar:

NM_000815.5(GABRD):c.1124C>T (p.Ala375Val)

Gene: GABRD (gamma-aminobutyric acid type A receptor subunit delta; plus strand). Cytogenetic location: 1p36.33.
Variant type: single nucleotide variant.
Coding change: c.1124C>T on transcript NM_000815.5 (MANE Select); coding-DNA position 1124, C replaced by T.
Protein change: p.Ala375Val; replaces alanine 375 with valine.
Molecular consequence: missense variant.
Genome position (GRCh38, 1-based): chr1:2,030,047, C>T. VCF-style: chr1-2030047-C-T. GRCh37 (hg19) VCF-style: chr1-1961486-C-T.
Other names: short protein forms A375V.
Identifiers: ClinVar variation 4738195 (VCV004738195.1).
Genomic context (GRCh38, chr1:2,030,047, plus strand): 5'-ACGTGAGGAACGCCATTGTCCTCTTCTCCCTCTCTGCTGCCGGCGTCACGCAGGAGCTGG[C>T]CATCTCCCGCCGGCAGCGCCGCGTCCCGGGGAACCTGATGGGCTCCTACAGGTCGGTGGG-3'
Protein context (NP_000806.2, residues 365-385): LSAAGVTQEL[Ala375Val]ISRRQRRVPG

ClinVar aggregate classification (germline): Uncertain significance (1 of 4 stars; one submission).

Conditions:
Idiopathic generalized epilepsy. Also called: EIG; Generalised epilepsy. Identifiers: MedGen C0270850, MONDO:0005579, OMIM 600669.

Submission:

Labcorp Genetics (formerly Invitae), Labcorp
Classification: Uncertain significance for Idiopathic generalized epilepsy. Last evaluated: 2025-04-28. Review status: criteria provided, single submitter. Criteria: Invitae Variant Classification Sherloc (09022015). Collection method: clinical testing. Allele origin: germline.
Comment: This sequence change replaces alanine, which is neutral and non-polar, with valine, which is neutral and non-polar, at codon 375 of the GABRD protein (p.Ala375Val). This variant is not present in population databases (gnomAD no frequency). This variant has not been reported in the literature in individuals affected with GABRD-related conditions. An algorithm developed to predict the effect of missense changes on protein structure and function (PolyPhen-2) suggests that this variant is likely to be tolerated. In summary, the available evidence is currently insufficient to determine the role of this variant in disease. Therefore, it has been classified as a Variant of Uncertain Significance.